The following is an entry in ClinVar:

NM_007294.4(BRCA1):c.5033A>G (p.Asn1678Ser)

Gene: BRCA1 (BRCA1 DNA repair associated; minus strand). Cytogenetic location: 17q21.31.
Variant type: single nucleotide variant.
Coding change: c.5033A>G on transcript NM_007294.4 (MANE Select); coding-DNA position 5033, A replaced by G.
Protein change: p.Asn1678Ser; replaces asparagine 1678 with serine.
Molecular consequence: missense variant. On other transcripts: non-coding transcript variant (1).
Genome position (GRCh38, 1-based): chr17:43,067,649, T>C on the plus strand (A>G on the coding strand, the complement: BRCA1 is on the minus strand). VCF-style: chr17-43067649-T-C. GRCh37 (hg19) VCF-style: chr17-41219666-T-C.
Other names: c.4886A>G, p.Asn1629Ser (NM_001407842.1, NM_001407853.1, NM_001407838.1 and 12 more transcripts); c.5033A>G, p.Asn1678Ser (NM_001407854.1, NM_001407593.1, NM_001407594.1 and 8 more transcripts); c.5030A>G, p.Asn1677Ser (NM_001407858.1, NM_001407859.1, NM_001407860.1 and 17 more transcripts); c.5027A>G, p.Asn1676Ser (NM_001407861.1, NM_001407627.1, NM_001407628.1 and 14 more transcripts); c.4832A>G, p.Asn1611Ser (NM_001407862.1); c.4907A>G, p.Asn1636Ser (NM_001407863.1, NM_001407940.1, NM_001407670.1 and 11 more transcripts); c.4826A>G, p.Asn1609Ser (NM_001407874.1, NM_001407875.1); c.4820A>G, p.Asn1607Ser (NM_001407895.1, NM_001407896.1, NM_001407897.1 and 12 more transcripts); and 70 more; short protein forms N1699S, N1631S, N1678S, N574S, N1381S, N1549S, N1551S, N1565S.
Identifiers: ClinVar variation 865556 (VCV000865556.4), dbSNP rs2052173415, ClinGen allele CA10591450.
Genomic context (GRCh38, chr17:43,067,649, plus strand): 5'-GTAAAGGTTCTTGGTATACCTGTTTTCATAACAACATGAGTAGTCTCTTCAGTAATTAGA[T>C]TAGTTAAAGTGATGTGGTGTTTTCTGGCAAACTTGTACACGAGCATCTGAAATTAAATCA-3'
Protein context (NP_009225.1, residues 1668-1688): FARKHHITLT[Asn1678Ser]LITEETTHVV

ClinVar aggregate classification (germline): Uncertain significance (1 of 4 stars; one submission).

Conditions:
Hereditary breast ovarian cancer syndrome. Also called: Hereditary breast and/or ovarian cancer syndrome; BRCA1- and BRCA2-Associated Hereditary Breast and Ovarian Cancer; Hereditary breast and ovarian cancer syndrome; Hereditary breast and ovarian cancer; Hereditary breast and ovarian cancer syndrome (HBOC); Breast and ovarian cancer. Identifiers: Orphanet 145, MedGen C0677776, MeSH D061325, MONDO:0003582. Disease mechanism: loss of function.

Allele frequency attached by ClinVar (database versions not stated): gnomAD exomes below 0.00001.
gnomAD v4.1: 1 of 1,613,502 alleles (0.000062%); no homozygotes.

Submissions (2):

Labcorp Genetics (formerly Invitae), Labcorp
Classification: Uncertain significance for Hereditary breast ovarian cancer syndrome. Last evaluated: 2025-02-11. Review status: criteria provided, single submitter. Criteria: Invitae Variant Classification Sherloc (09022015). Collection method: clinical testing. Allele origin: germline.
Comment: This sequence change replaces asparagine, which is neutral and polar, with serine, which is neutral and polar, at codon 1678 of the BRCA1 protein (p.Asn1678Ser). This variant is not present in population databases (gnomAD no frequency). This variant has not been reported in the literature in individuals affected with BRCA1-related conditions. ClinVar contains an entry for this variant (Variation ID: 865556). Invitae Evidence Modeling incorporating data from in vitro experimental studies (PMID: 30209399) indicates that this missense variant is not expected to disrupt BRCA1 function with a negative predictive value of 95%. In summary, the available evidence is currently insufficient to determine the role of this variant in disease. Therefore, it has been classified as a Variant of Uncertain Significance.

Brotman Baty Institute, University of Washington
No classification provided (evidence only). Condition: Breast-ovarian cancer, familial 1. Review status: no classification provided. Collection method: in vitro. Allele origin: not applicable. Functional consequence: functionally_normal. Not counted in ClinVar's aggregate classification.
ClinVar note: "not provided" was previously submitted as the classification for the variant. However, the classification appeared to be based only on an observation of functional data so it was converted to no classification on 2025-07-30.

Literature cited by the submitters: PubMed 30209399 (cited by Labcorp Genetics (formerly Invitae), Labcorp).